The following is an entry in ClinVar:

ClinVar aggregate classification (germline): Likely benign. Review status: criteria provided, single submitter (1 of 4 stars). 2 submissions from 2 submitters: Likely benign (1). 1 of the submissions does not count toward it. Last evaluated 2025-07-31.

Conditions:
POMC-related disorder. Also called: POMC-related condition; POMC-related disorders.

gnomAD v4.1: 15 of 1,608,772 alleles (0.00093%); highest among the groups gnomAD compares: Admixed American, 0.017%; 1 homozygote.

Submissions (2):

Labcorp Genetics (formerly Invitae), Labcorp
Classification: Likely benign. Last evaluated: 2025-07-31. Review status: criteria provided, single submitter. Criteria: Invitae Variant Classification Sherloc (09022015). Collection method: clinical testing. Allele origin: germline.

PreventionGenetics, part of Exact Sciences
Classification: Likely benign for POMC-related condition. Last evaluated: 2021-06-27. Review status: no assertion criteria provided. Collection method: clinical testing. Allele origin: germline. Not counted in ClinVar's aggregate classification.
Comment: This variant is classified as likely benign based on ACMG/AMP sequence variant interpretation guidelines (Richards et al. 2015 PMID: 25741868, with internal and published modifications).

NM_000939.4(POMC):c.492C>T (p.Ala164=)

Gene: POMC (proopiomelanocortin; minus strand). Cytogenetic location: 2p23.3.
Variant type: single nucleotide variant.
Coding change: c.492C>T on transcript NM_000939.4 (MANE Select); coding-DNA position 492, C replaced by T.
Protein change: p.Ala164=; no amino-acid change (alanine 164 retained).
Molecular consequence: synonymous variant.
Genome position (GRCh38, 1-based): chr2:25,161,393, G>A on the plus strand (C>T on the coding strand, the complement: POMC is on the minus strand). VCF-style: chr2-25161393-G-A. GRCh37 (hg19) VCF-style: chr2-25384262-G-A.
Other names: c.492C>T, p.Ala164= (NM_001035256.3, NM_001319204.2, NM_001319205.2); c.492C>T (NM_000939.3).
Identifiers: ClinVar variation 3018425 (VCV003018425.4), dbSNP rs914337816, ClinGen allele CA43684610.